The following is an entry in ClinVar:

ClinVar aggregate classification (germline): Uncertain significance. Review status: criteria provided, multiple submitters, no conflicts (2 of 4 stars). 2 submissions from 2 submitters: Uncertain significance (2). Last evaluated 2024-12-23.

Conditions:
Inborn genetic diseases. Identifiers: MedGen C0950123, MeSH D030342.

Allele frequency attached by ClinVar (database versions not stated): gnomAD exomes 0.00001.
gnomAD v4.1: 6 of 1,613,734 alleles (0.00037%); highest among the groups gnomAD compares: Middle Eastern, 0.016%; no homozygotes.

Submissions (2):

Ambry Genetics
Classification: Uncertain significance for Inborn genetic diseases. Last evaluated: 2024-12-23. Review status: criteria provided, single submitter. Criteria: Ambry Variant Classification Scheme 2023. Collection method: clinical testing. Allele origin: germline.

Labcorp Genetics (formerly Invitae), Labcorp
Classification: Uncertain significance. Last evaluated: 2023-10-28. Review status: criteria provided, single submitter. Criteria: Invitae Variant Classification Sherloc (09022015). Collection method: clinical testing. Allele origin: germline.
Comment: This sequence change replaces lysine, which is basic and polar, with asparagine, which is neutral and polar, at codon 3551 of the PCLO protein (p.Lys3551Asn). This variant is present in population databases (no rsID available, gnomAD 0.002%). This variant has not been reported in the literature in individuals affected with PCLO-related conditions. ClinVar contains an entry for this variant (Variation ID: 1384811). Experimental studies and prediction algorithms are not available or were not evaluated, and the functional significance of this variant is currently unknown. In summary, the available evidence is currently insufficient to determine the role of this variant in disease. Therefore, it has been classified as a Variant of Uncertain Significance.

NM_033026.6(PCLO):c.10653A>C (p.Lys3551Asn)

Gene: PCLO (piccolo presynaptic cytomatrix protein; minus strand). Cytogenetic location: 7q21.11.
Variant type: single nucleotide variant.
Coding change: c.10653A>C on transcript NM_033026.6 (MANE Select); coding-DNA position 10653, A replaced by C.
Protein change: p.Lys3551Asn; replaces lysine 3551 with asparagine.
Molecular consequence: missense variant.
Genome position (GRCh38, 1-based): chr7:82,949,935, T>G on the plus strand (A>C on the coding strand, the complement: PCLO is on the minus strand). VCF-style: chr7-82949935-T-G. GRCh37 (hg19) VCF-style: chr7-82579251-T-G.
Other names: c.10653A>C (NM_033026.5); c.10653A>C, p.Lys3551Asn (NM_014510.3); short protein forms K3551N.
Identifiers: ClinVar variation 1384811 (VCV001384811.9), dbSNP rs992824540, ClinGen allele CA161141401.